The following is an entry in ClinVar:

ClinVar aggregate classification (germline): Uncertain significance (1 of 4 stars; one submission).

Conditions:
Inborn genetic diseases. Identifiers: MedGen C0950123, MeSH D030342.

gnomAD v4.1: 3 of 1,554,364 alleles (0.00019%); highest among the groups gnomAD compares: Non-Finnish European, 0.00026%; no homozygotes.

Submission:

Ambry Genetics
Classification: Uncertain significance for Inborn genetic diseases. Last evaluated: 2023-05-03. Review status: criteria provided, single submitter. Criteria: Ambry Variant Classification Scheme 2023. Collection method: clinical testing. Allele origin: germline.
Comment: The p.Y427C variant (also known as c.1280A>G), located in coding exon 10 of the EPAS1 gene, results from an A to G substitution at nucleotide position 1280. The tyrosine at codon 427 is replaced by cysteine, an amino acid with highly dissimilar properties. This amino acid position is conserved. In addition, this alteration is predicted to be tolerated by in silico analysis. Since supporting evidence is limited at this time, the clinical significance of this alteration remains unclear.

NM_001430.5(EPAS1):c.1280A>G (p.Tyr427Cys)

Gene: EPAS1 (endothelial PAS domain protein 1; plus strand). Cytogenetic location: 2p21.
Variant type: single nucleotide variant.
Coding change: c.1280A>G on transcript NM_001430.5 (MANE Select); coding-DNA position 1280, A replaced by G.
Protein change: p.Tyr427Cys; replaces tyrosine 427 with cysteine.
Molecular consequence: missense variant.
Genome position (GRCh38, 1-based): chr2:46,377,924, A>G. VCF-style: chr2-46377924-A-G. GRCh37 (hg19) VCF-style: chr2-46605063-A-G.
Other names: short protein forms Y427C.
Identifiers: ClinVar variation 2562010 (VCV002562010.2), dbSNP rs1228571527, ClinGen allele CA346703672.